The following is an entry in ClinVar:

ClinVar aggregate classification (germline): Uncertain significance (1 of 4 stars; one submission).

Conditions:
Hereditary nonpolyposis colorectal neoplasms. Identifiers: MedGen C0009405, MeSH D003123.

Submission:

Labcorp Genetics (formerly Invitae), Labcorp
Classification: Uncertain significance for Hereditary nonpolyposis colorectal neoplasms. Last evaluated: 2025-02-25. Review status: criteria provided, single submitter. Criteria: Invitae Variant Classification Sherloc (09022015). Collection method: clinical testing. Allele origin: germline.
Comment: This sequence change replaces asparagine, which is neutral and polar, with isoleucine, which is neutral and non-polar, at codon 265 of the PMS2 protein (p.Asn265Ile). This variant is not present in population databases (gnomAD no frequency). This variant has not been reported in the literature in individuals affected with PMS2-related conditions. Invitae Evidence Modeling incorporating data from in vitro experimental studies (internal data) indicates that this missense variant is not expected to disrupt PMS2 function with a negative predictive value of 95%. In summary, the available evidence is currently insufficient to determine the role of this variant in disease. Therefore, it has been classified as a Variant of Uncertain Significance.

NM_000535.7(PMS2):c.794A>T (p.Asn265Ile)

Gene: PMS2 (PMS1 homolog 2, mismatch repair system component; minus strand). Cytogenetic location: 7p22.1.
Variant type: single nucleotide variant.
Coding change: c.794A>T on transcript NM_000535.7 (MANE Select); coding-DNA position 794, A replaced by T.
Protein change: p.Asn265Ile; replaces asparagine 265 with isoleucine.
Molecular consequence: missense variant. On other transcripts: 5 prime UTR variant (2), non-coding transcript variant (1), intron variant (3).
Genome position (GRCh38, 1-based): chr7:5,997,335, T>A on the plus strand (A>T on the coding strand, the complement: PMS2 is on the minus strand). VCF-style: chr7-5997335-T-A. GRCh37 (hg19) VCF-style: chr7-6036966-T-A.
Other names: c.389A>T, p.Asn130Ile (NM_001322003.2, NM_001322004.2, NM_001322005.2 and 19 more transcripts); c.794A>T, p.Asn265Ile (NM_001322006.2, NM_001322014.2, NM_001406870.1 and 3 more transcripts); c.476A>T, p.Asn159Ile (NM_001322007.2, NM_001322008.2, NM_001406876.1 and 4 more transcripts); c.-140A>T (NM_001322011.2, NM_001322012.2); c.221A>T, p.Asn74Ile (NM_001322013.2, NM_001406909.1); c.485A>T, p.Asn162Ile (NM_001322015.2, NM_001406875.1, NM_001406877.1 and 6 more transcripts); c.980A>T, p.Asn327Ile (NM_001406866.1); c.818A>T, p.Asn273Ile (NM_001406868.1); and 7 more; short protein forms N265I, N153I, N159I, N273I, N94I, N130I, N162I, N209I.
Identifiers: ClinVar variation 4711164 (VCV004711164.1).